The following is an entry in ClinVar:

NM_004752.4(GCM2):c.1277A>C (p.Tyr426Ser)

Gene: GCM2 (glial cells missing transcription factor 2; minus strand). Cytogenetic location: 6p24.2.
Variant type: single nucleotide variant.
Coding change: c.1277A>C on transcript NM_004752.4 (MANE Select); coding-DNA position 1277, A replaced by C.
Protein change: p.Tyr426Ser; replaces tyrosine 426 with serine.
Molecular consequence: missense variant.
Genome position (GRCh38, 1-based): chr6:10,874,239, T>G on the plus strand (A>C on the coding strand, the complement: GCM2 is on the minus strand). VCF-style: chr6-10874239-T-G. GRCh37 (hg19) VCF-style: chr6-10874472-T-G.
Other names: short protein forms Y426S.
Identifiers: ClinVar variation 64536 (VCV000064536.2), dbSNP rs387907433, ClinGen allele CA216357.
Genomic context (GRCh38, chr6:10,874,239, plus strand): 5'-GGTGGCCCTGAAGGAGAGGCTGCCCTGGTGACTGTCACCGGAGGACCCCAGGGTTCTGGA[T>G]AGACAGACATCCCAGTATCTTCAGGAGCATAGTTACAGCTCGAAAGGCTCTTCACCTCTC-3'
Protein context (NP_004743.1, residues 416-436): YAPEDTGMSV[Tyr426Ser]PEPWGPPVTV

ClinVar aggregate classification (germline): Uncertain significance (0 of 4 stars; one submission).

Submission:

Martin Pollak Laboratory,  Beth Israel Deaconess Medical Center
Classification: Uncertain significance. Review status: no assertion criteria provided. Collection method: not provided. Allele origin: unknown.
Comment: Lower and higher UCa2+ groups
ClinVar note: Converted during submission from unknown to Uncertain significance.